The following is an entry in ClinVar:

NM_032601.4(MCEE):c.520G>C (p.Glu174Gln)

Gene: MCEE (methylmalonyl-CoA epimerase; minus strand). Cytogenetic location: 2p13.3.
Variant type: single nucleotide variant.
Coding change: c.520G>C on transcript NM_032601.4 (MANE Select); coding-DNA position 520, G replaced by C.
Protein change: p.Glu174Gln; replaces glutamic acid 174 with glutamine.
Molecular consequence: missense variant.
Genome position (GRCh38, 1-based): chr2:71,109,981, C>G on the plus strand (G>C on the coding strand, the complement: MCEE is on the minus strand). VCF-style: chr2-71109981-C-G. GRCh37 (hg19) VCF-style: chr2-71337111-C-G.
Other names: short protein forms E174Q.
Identifiers: ClinVar variation 336935 (VCV000336935.48), dbSNP rs200334627, ClinGen allele CA1702563.

ClinVar aggregate classification (germline): Uncertain significance. Review status: criteria provided, multiple submitters, no conflicts (2 of 4 stars). 4 submissions from 4 submitters: Uncertain significance (4). Last evaluated 2026-01-05.

Conditions:
Methylmalonic acidemia due to methylmalonyl-CoA epimerase deficiency. Also called: Methylmalonyl-CoA Epimerase Deficiency; METHYLMALONIC ACIDURIA III; METHYLMALONYL-CoA RACEMASE DEFICIENCY. Identifiers: Orphanet 308425, MedGen C1855100, MONDO:0009615, OMIM 251120.

Allele frequency attached by ClinVar (database versions not stated): TOPMed 0.00006; gnomAD 0.00008 and 0.00009; gnomAD exomes 0.00008 and 0.00011; ExAC 0.00016.
gnomAD v4.1: 126 of 1,613,482 alleles (0.0078%); highest among the groups gnomAD compares: Middle Eastern, 0.016%; 1 homozygote.

Submissions (4):

Labcorp Genetics (formerly Invitae), Labcorp
Classification: Uncertain significance for Methylmalonic acidemia due to methylmalonyl-CoA epimerase deficiency. Last evaluated: 2026-01-05. Review status: criteria provided, single submitter. Criteria: Invitae Variant Classification Sherloc (09022015). Collection method: clinical testing. Allele origin: germline.
Comment: This sequence change replaces glutamic acid, which is acidic and polar, with glutamine, which is neutral and polar, at codon 174 of the MCEE protein (p.Glu174Gln). This variant is present in population databases (rs200334627, gnomAD 0.02%). This variant has not been reported in the literature in individuals affected with MCEE-related conditions. ClinVar contains an entry for this variant (Variation ID: 336935). An algorithm developed to predict the effect of missense changes on protein structure and function (PolyPhen-2) suggests that this variant is likely to be disruptive. In summary, the available evidence is currently insufficient to determine the role of this variant in disease. Therefore, it has been classified as a Variant of Uncertain Significance.

CeGaT Center for Human Genetics Tuebingen
Classification: Uncertain significance. Last evaluated: 2021-12-01. Review status: criteria provided, single submitter. Criteria: CeGaT Center For Human Genetics Tuebingen Variant Classification Criteria Version 2. Collection method: clinical testing. Allele origin: germline. Affected: yes. Observed: 1 variant allele.

Revvity Omics, Revvity
Classification: Uncertain significance for Methylmalonic acidemia due to methylmalonyl-CoA epimerase deficiency. Last evaluated: 2021-05-15. Review status: criteria provided, single submitter. Criteria: ACMG Guidelines, 2015. Collection method: clinical testing. Allele origin: germline.

Illumina Laboratory Services, Illumina
Classification: Uncertain significance for Methylmalonic acidemia due to methylmalonyl-CoA epimerase deficiency. Last evaluated: 2018-01-12. Review status: criteria provided, single submitter. Criteria: ICSL Variant Classification Criteria 13 December 2019. Collection method: clinical testing. Allele origin: germline.